The following is an entry in ClinVar:

ClinVar aggregate classification (germline): Conflicting classifications of pathogenicity. Review status: criteria provided, conflicting classifications (1 of 4 stars). 4 submissions from 4 submitters: Uncertain significance (2); Likely benign (1). 1 of the submissions does not count toward it. Last evaluated 2025-07-29.

Conditions:
Alagille syndrome due to a JAG1 point mutation. Also called: Alagille Syndrome 1; JAG1-Related Alagille Syndrome; HEPATIC DUCTULAR HYPOPLASIA, SYNDROMATIC. Identifiers: Orphanet 261619, Orphanet 52, MedGen C1956125, MONDO:0016862, OMIM 118450.
Isolated Nonsyndromic Congenital Heart Disease.
JAG1-related disorder. Also called: JAG1-related disorders; JAG1-related condition.

Allele frequency attached by ClinVar (database versions not stated): gnomAD 0.00003 and 0.00005; TOPMed 0.00003; ExAC 0.00013.
gnomAD v4.1: 150 of 1,613,982 alleles (0.0093%); highest among the groups gnomAD compares: East Asian, 0.33%; no homozygotes.

Submissions (4):

Labcorp Genetics (formerly Invitae), Labcorp
Classification: Likely benign for Alagille syndrome due to a JAG1 point mutation. Last evaluated: 2025-07-29. Review status: criteria provided, single submitter. Criteria: Invitae Variant Classification Sherloc (09022015). Collection method: clinical testing. Allele origin: germline.

Eurofins Ntd Llc (ga)
Classification: Uncertain significance. Last evaluated: 2018-08-23. Review status: criteria provided, single submitter. Criteria: EGL ClinVar v180209 classification definitions. Collection method: clinical testing. Allele origin: germline. Observed: 1 variant allele, 1 heterozygote.

Illumina Laboratory Services, Illumina
Classification: Uncertain significance for Isolated Nonsyndromic Congenital Heart Disease. Last evaluated: 2017-04-27. Review status: criteria provided, single submitter. Criteria: ICSL Variant Classification Criteria 13 December 2019. Collection method: clinical testing. Allele origin: germline.

PreventionGenetics, part of Exact Sciences
Classification: Likely benign for JAG1-related condition. Last evaluated: 2024-05-30. Review status: no assertion criteria provided. Collection method: clinical testing. Allele origin: germline. Not counted in ClinVar's aggregate classification.
Comment: This variant is classified as likely benign based on ACMG/AMP sequence variant interpretation guidelines (Richards et al. 2015 PMID: 25741868, with internal and published modifications).

NM_000214.3(JAG1):c.3038A>T (p.His1013Leu)

Gene: JAG1 (jagged canonical Notch ligand 1; minus strand). Cytogenetic location: 20p12.2.
Variant type: single nucleotide variant.
Coding change: c.3038A>T on transcript NM_000214.3 (MANE Select); coding-DNA position 3038, A replaced by T.
Protein change: p.His1013Leu; replaces histidine 1013 with leucine.
Molecular consequence: missense variant.
Genome position (GRCh38, 1-based): chr20:10,641,123, T>A on the plus strand (A>T on the coding strand, the complement: JAG1 is on the minus strand). VCF-style: chr20-10641123-T-A. GRCh37 (hg19) VCF-style: chr20-10621771-T-A.
Other names: c.3038A>T, p.His1013Leu (LRG_1191t1); short protein forms H1013L.
Identifiers: ClinVar variation 598523 (VCV000598523.18), dbSNP rs758687380, ClinGen allele CA9764321.
Genomic context (GRCh38, chr20:10,641,123, plus strand): 5'-CGAACTGCCTTGCCATCGAATAATGAGGTGTGAATGGGTCTTATACTTACAATGGCCACA[T>A]GTATTTCATTGTTCGCTGAAGGGGAAGGCTCGCAAGCGATGTAGATTGAATATTCAGCGG-3'
Protein context (NP_000205.1, residues 1003-1023): EPSPSANNEI[His1013Leu]VAISAEDIRD